The following is an entry in ClinVar:

ClinVar aggregate classification (germline): Uncertain significance (1 of 4 stars; one submission).

Allele frequency attached by ClinVar (database versions not stated): gnomAD exomes below 0.00001; TOPMed below 0.00001; ESP Exome Variant Server 0.00008.

Submission:

Labcorp Genetics (formerly Invitae), Labcorp
Classification: Uncertain significance. Last evaluated: 2022-04-22. Review status: criteria provided, single submitter. Criteria: Invitae Variant Classification Sherloc (09022015). Collection method: clinical testing. Allele origin: germline.
Comment: This variant has not been reported in the literature in individuals affected with EXOSC2-related conditions. This variant is not present in population databases (gnomAD no frequency). This sequence change creates a premature translational stop signal (p.Gln168Argfs*12) in the EXOSC2 gene. It is expected to result in an absent or disrupted protein product. However, the current clinical and genetic evidence is not sufficient to establish whether loss-of-function variants in EXOSC2 cause disease. Experimental studies and prediction algorithms are not available or were not evaluated, and the functional significance of this variant is currently unknown. In summary, the available evidence is currently insufficient to determine the role of this variant in disease. Therefore, it has been classified as a Variant of Uncertain Significance. Algorithms developed to predict the effect of sequence changes on RNA splicing suggest that this variant may create or strengthen a splice site.

NM_014285.7(EXOSC2):c.503del (p.Gln168fs)

Gene: EXOSC2 (exosome component 2; plus strand). Cytogenetic location: 9q34.12.
Variant type: Deletion.
Coding change: c.503del on transcript NM_014285.7 (MANE Select); coding-DNA position 503, one base deleted (A; older notation c.503delA).
Protein change: p.Gln168fs; shifts the reading frame from glutamine 168.
Molecular consequence: frameshift variant. On other transcripts: non-coding transcript variant (1), splice acceptor variant (1).
Genome position (GRCh38, 1-based): chr9:130,702,141, A deleted. VCF-style (leftmost placement, unchanged base first): chr9-130702140-CA-C. GRCh37 (hg19) VCF-style: chr9-133577527-CA-C.
Other names: c.413del, p.Gln138fs (NM_001282709.1); c.427-2del (NM_001282708.1); short protein forms Q168fs, Q138fs.
Identifiers: ClinVar variation 1399764 (VCV001399764.6), dbSNP rs1253989310, ClinGen allele CA467394310.